The following is an entry in ClinVar:

ClinVar aggregate classification (germline): Uncertain significance. Review status: criteria provided, multiple submitters, no conflicts (2 of 4 stars). 2 submissions from 2 submitters: Uncertain significance (2). Last evaluated 2025-10-15.

Conditions:
Fibrous dysplasia of jaw (CRBM). Also called: Cherubism. Identifiers: Orphanet 184, MedGen C0008029, MONDO:0007315, OMIM 118400.

Allele frequency attached by ClinVar (database versions not stated): gnomAD exomes 0.00001 and 0.00003; ExAC 0.00005; gnomAD 0.00005 and 0.00006; TOPMed 0.00005; ESP Exome Variant Server 0.00008.
gnomAD v4.1: 26 of 1,600,450 alleles (0.0016%); highest among the groups gnomAD compares: African/African-American, 0.0093%; no homozygotes.

Submissions (2):

Labcorp Genetics (formerly Invitae), Labcorp
Classification: Uncertain significance for Fibrous dysplasia of jaw. Last evaluated: 2025-10-15. Review status: criteria provided, single submitter. Criteria: Invitae Variant Classification Sherloc (09022015). Collection method: clinical testing. Allele origin: germline.
Comment: This sequence change replaces proline, which is neutral and non-polar, with leucine, which is neutral and non-polar, at codon 411 of the SH3BP2 protein (p.Pro411Leu). This variant is present in population databases (rs376008602, gnomAD 0.009%). This variant has not been reported in the literature in individuals affected with SH3BP2-related conditions. ClinVar contains an entry for this variant (Variation ID: 657137). Invitae Evidence Modeling of protein sequence and biophysical properties (such as structural, functional, and spatial information, amino acid conservation, physicochemical variation, residue mobility, and thermodynamic stability) indicates that this missense variant is not expected to disrupt SH3BP2 protein function with a negative predictive value of 80%. In summary, the available evidence is currently insufficient to determine the role of this variant in disease. Therefore, it has been classified as a Variant of Uncertain Significance.

Mayo Clinic Laboratories, Mayo Clinic
Classification: Uncertain significance. Last evaluated: 2022-08-30. Review status: criteria provided, single submitter. Criteria: ACMG Guidelines, 2015. Collection method: clinical testing. Allele origin: germline. Observed: 1 variant allele.
Comment: BS1

NM_001122681.2(SH3BP2):c.1232C>T (p.Pro411Leu)

Gene: SH3BP2 (SH3 domain binding protein 2; plus strand). Cytogenetic location: 4p16.3.
Variant type: single nucleotide variant.
Coding change: c.1232C>T on transcript NM_001122681.2 (MANE Select); coding-DNA position 1232, C replaced by T.
Protein change: p.Pro411Leu; replaces proline 411 with leucine.
Molecular consequence: missense variant.
Genome position (GRCh38, 1-based): chr4:2,830,138, C>T. VCF-style: chr4-2830138-C-T. GRCh37 (hg19) VCF-style: chr4-2831865-C-T.
Other names: p.Pro411Leu; c.1316C>T, p.Pro439Leu (NM_001145855.2, LRG_1334t2); c.1403C>T, p.Pro468Leu (NM_001145856.2); c.1232C>T, p.Pro411Leu (NM_003023.4, LRG_1334t1); short protein forms P439L, P468L, P411L.
Identifiers: ClinVar variation 657137 (VCV000657137.9), dbSNP rs376008602, ClinGen allele CA2819422.